The following is an entry in ClinVar:

ClinVar aggregate classification (germline): Pathogenic. Review status: criteria provided, multiple submitters, no conflicts (2 of 4 stars). 3 submissions from 3 submitters: Pathogenic (3). Last evaluated 2025-10-31.

Conditions:
Neurofibromatosis, type 1 (NF1). Also called: Neurofibromatosis, type I; Peripheral type neurofibromatosis; VON RECKLINGHAUSEN DISEASE; NEUROFIBROMATOSIS, TYPE I, SOMATIC. Identifiers: Orphanet 636, MedGen C0027831, MONDO:0018975, OMIM 162200. Disease mechanism: loss of function.
Cardiovascular phenotype. Identifiers: MedGen CN230736.
Hereditary cancer-predisposing syndrome. Also called: Hereditary neoplastic syndrome; Hereditary Cancer Syndrome; Neoplastic Syndromes, Hereditary; Tumor predisposition. Identifiers: Orphanet 140162, MedGen C0027672, MeSH D009386, MONDO:0015356.

Submissions (3):

Ambry Genetics
Classification: Pathogenic for Cardiovascular phenotype; Hereditary cancer-predisposing syndrome. Last evaluated: 2025-10-31. Review status: criteria provided, single submitter. Criteria: Ambry Variant Classification Scheme 2023. Collection method: clinical testing. Allele origin: germline.
Comment: The c.2326-2A>T intronic variant results from an A to T substitution two nucleotides upstream from coding exon 20 in the NF1 gene. This variant was reported in individual(s) with features consistent with Neurofibromatosis type 1 (Ambry internal data; Laycock-van Spyk S et al. Hum Genomics, 2011 Oct;5:623-90). Other variants impacting the same acceptor site have been identified in individuals with features consistent with neurofibromatosis type 1 (Ambry internal data; De Luca A et al. Hum Mutat, 2003 Feb;21:171-2). In silico splice site analysis predicts that this alteration will weaken the native splice acceptor site and will result in the creation or strengthening of a novel splice acceptor site. RNA studies have demonstrated that this alteration results in abnormal splicing in the set of samples tested (Ambry internal data). This nucleotide position is highly conserved in available vertebrate species. This variant is considered to be rare based on population cohorts in the Genome Aggregation Database (gnomAD). Based on the supporting evidence, this variant is interpreted as a disease-causing mutation.

GeneDx
Classification: Pathogenic. Last evaluated: 2025-06-25. Review status: criteria provided, single submitter. Criteria: GeneDx Variant Classification Process June 2021. Collection method: clinical testing. Allele origin: germline. Affected: yes.
Comment: Canonical splice site variant predicted to result in an in-frame loss of the adjacent exon in a gene for which loss of function is a known mechanism of disease; Observed in individuals with a personal or family history consistent with pathogenic variants in this gene (PMID: 22155606); Not observed at significant frequency in large population cohorts (gnomAD); Deletions involving coding exons of this gene are a known mechanism of disease (HGMD; other references); This variant is associated with the following publications: (PMID: 22034633, 23913538, 10712197, 12552569, 22155606)

Labcorp Genetics (formerly Invitae), Labcorp
Classification: Pathogenic for Neurofibromatosis, type 1. Last evaluated: 2024-10-02. Review status: criteria provided, single submitter. Criteria: Invitae Variant Classification Sherloc (09022015). Collection method: clinical testing. Allele origin: germline.
Comment: This sequence change affects an acceptor splice site in intron 19 of the NF1 gene. It is expected to disrupt RNA splicing. Variants that disrupt the donor or acceptor splice site typically lead to a loss of protein function (PMID: 16199547), and loss-of-function variants in NF1 are known to be pathogenic (PMID: 10712197, 23913538). This variant is not present in population databases (gnomAD no frequency). Disruption of this splice site has been observed in individual(s) with neurofibromatosis type 1 (PMID: 12552569, 22155606). Algorithms developed to predict the effect of sequence changes on RNA splicing suggest that this variant may disrupt the consensus splice site. For these reasons, this variant has been classified as Pathogenic.

Literature cited by the submitters: PubMed 12552569 (cited by Ambry Genetics and Labcorp Genetics (formerly Invitae), Labcorp); PubMed 22155606 (cited by Ambry Genetics and Labcorp Genetics (formerly Invitae), Labcorp); PubMed 16199547 (cited by Labcorp Genetics (formerly Invitae), Labcorp); PubMed 10712197 (cited by Labcorp Genetics (formerly Invitae), Labcorp); PubMed 23913538 (cited by Labcorp Genetics (formerly Invitae), Labcorp).

NM_001042492.3(NF1):c.2326-2A>T

Gene: NF1 (neurofibromin 1; plus strand). Cytogenetic location: 17q11.2.
Variant type: single nucleotide variant.
Coding change: c.2326-2A>T on transcript NM_001042492.3 (MANE Select); the canonical splice acceptor site of the intron before coding-DNA position 2326, A replaced by T.
Molecular consequence: splice acceptor variant.
Genome position (GRCh38, 1-based): chr17:31,227,521, A>T. VCF-style: chr17-31227521-A-T. GRCh37 (hg19) VCF-style: chr17-29554539-A-T.
Other names: c.2326-2A>T (NM_000267.4).
Identifiers: ClinVar variation 2736524 (VCV002736524.6), dbSNP rs1555613975, ClinGen allele CA398982988.